The following is an entry in ClinVar:

ClinVar aggregate classification (germline): Uncertain significance (1 of 4 stars; one submission).

Conditions:
Cardiovascular phenotype. Identifiers: MedGen CN230736.

Submission:

Ambry Genetics
Classification: Uncertain significance for Cardiovascular phenotype. Last evaluated: 2024-06-04. Review status: criteria provided, single submitter. Criteria: Ambry Variant Classification Scheme 2023. Collection method: clinical testing. Allele origin: germline.
Comment: The p.T250I variant (also known as c.749C>T), located in coding exon 6 of the SCN10A gene, results from a C to T substitution at nucleotide position 749. The threonine at codon 250 is replaced by isoleucine, an amino acid with similar properties. This amino acid position is conserved. In addition, the in silico prediction for this alteration is inconclusive. Based on the available evidence, the clinical significance of this variant remains unclear.

NM_006514.4(SCN10A):c.749C>T (p.Thr250Ile)

Gene: SCN10A (sodium voltage-gated channel alpha subunit 10; minus strand). Cytogenetic location: 3p22.2.
Variant type: single nucleotide variant.
Coding change: c.749C>T on transcript NM_006514.4 (MANE Select); coding-DNA position 749, C replaced by T.
Protein change: p.Thr250Ile; replaces threonine 250 with isoleucine.
Molecular consequence: missense variant.
Genome position (GRCh38, 1-based): chr3:38,761,326, G>A on the plus strand (C>T on the coding strand, the complement: SCN10A is on the minus strand). VCF-style: chr3-38761326-G-A. GRCh37 (hg19) VCF-style: chr3-38802817-G-A.
Other names: c.749C>T, p.Thr250Ile (NM_001293306.2, NM_001293307.2); short protein forms T250I.
Identifiers: ClinVar variation 3316528 (VCV003316528.1).